The following is an entry in ClinVar:

ClinVar aggregate classification (germline): Benign. Review status: criteria provided, multiple submitters, no conflicts (2 of 4 stars). 2 submissions from 2 submitters: Benign (2). Last evaluated 2018-01-13.

Conditions:
Glucocorticoid deficiency 1 (GCCD1). Also called: FAMILIAL GLUCOCORTICOID DEFICIENCY 1; Adrenal unresponsiveness to acth; Glucocorticoid deficiency, due to ACTH unresponsiveness. Identifiers: Orphanet 361, MedGen C4049650, MONDO:0024536, OMIM 202200.

Allele frequency attached by ClinVar (database versions not stated): 1000 Genomes Project 0.50659; 1000 Genomes Project 30x 0.51140; gnomAD 0.55253 and 0.56358; TOPMed 0.56001; gnomAD exomes 0.38923.

Submissions (2):

Illumina Laboratory Services, Illumina
Classification: Benign for Glucocorticoid deficiency 1. Last evaluated: 2018-01-13. Review status: criteria provided, single submitter. Criteria: ICSL Variant Classification Criteria 13 December 2019. Collection method: clinical testing. Allele origin: germline.
Comment: This variant was observed in the ICSL laboratory as part of a predisposition screen in an ostensibly healthy population. It had not been previously curated by ICSL or reported in the Human Gene Mutation Database (HGMD: prior to June 1st, 2018), and was therefore a candidate for classification through an automated scoring system. Utilizing variant allele frequency, disease prevalence and penetrance estimates, and inheritance mode, an automated score was calculated to assess if this variant is too frequent to cause the disease. Based on the score and internal cut-off values, a variant classified as benign is not then subjected to further curation. The score for this variant resulted in a classification of benign for this disease.

Breakthrough Genomics
Classification: Benign. Review status: criteria provided, single submitter. Criteria: ACMG Guidelines, 2015. Collection method: not provided. Allele origin: germline. Inheritance: Autosomal recessive inheritance. Affected: yes.

NM_000529.2(MC2R):c.*685G>A

Gene: MC2R (melanocortin 2 receptor; minus strand). Cytogenetic location: 18p11.21.
Variant type: single nucleotide variant.
Coding change: c.*685G>A on transcript NM_000529.2 (MANE Select); 685 bases downstream of the stop codon, G replaced by A.
Molecular consequence: 3 prime UTR variant.
Genome position (GRCh38, 1-based): chr18:13,883,940, C>T on the plus strand (G>A on the coding strand, the complement: MC2R is on the minus strand). VCF-style: chr18-13883940-C-T. GRCh37 (hg19) VCF-style: chr18-13883939-C-T.
Other names: c.*685G>A (NM_001291911.1).
Identifiers: ClinVar variation 326174 (VCV000326174.6), dbSNP rs4308014, ClinGen allele CA10650571.